The following is an entry in ClinVar:

ClinVar aggregate classification (germline): Uncertain significance. Review status: criteria provided, multiple submitters, no conflicts (2 of 4 stars). 7 submissions from 6 submitters: Uncertain significance (6). 1 of the submissions does not count toward it. Last evaluated 2025-11-07.

Conditions:
Inborn genetic diseases. Identifiers: MedGen C0950123, MeSH D030342.
Usher syndrome type 1 (USH1). Also called: RETINITIS PIGMENTOSA AND CONGENITAL DEAFNESS. Identifiers: Orphanet 231169, Orphanet 886, MedGen C1568247, MONDO:0010168, OMIM 276900.
Autosomal recessive nonsyndromic hearing loss 12. Also called: DEAFNESS, AUTOSOMAL RECESSIVE 12. Identifiers: Orphanet 90636, MedGen C1832394, MONDO:0011067, OMIM 601386.
Usher syndrome type 1D (USH1D). Also called: USHER SYNDROME, TYPE ID. Identifiers: Orphanet 231169, Orphanet 886, MedGen C1832845, MONDO:0010984, OMIM 601067.

Allele frequency attached by ClinVar (database versions not stated): gnomAD exomes 0.00002 and 0.00004; ExAC 0.00003; gnomAD 0.00009 and 0.00010; TOPMed 0.00012; 1000 Genomes Project 0.00020; 1000 Genomes Project 30x 0.00031.
gnomAD v4.1: 44 of 1,612,622 alleles (0.0027%); highest among the groups gnomAD compares: African/African-American, 0.036%; no homozygotes.

Submissions (7):

Ambry Genetics
Classification: Uncertain significance for Inborn genetic diseases. Last evaluated: 2025-11-07. Review status: criteria provided, single submitter. Criteria: Ambry Variant Classification Scheme 2023. Collection method: clinical testing. Allele origin: germline.

Labcorp Genetics (formerly Invitae), Labcorp
Classification: Uncertain significance. Last evaluated: 2024-10-25. Review status: criteria provided, single submitter. Criteria: Invitae Variant Classification Sherloc (09022015). Collection method: clinical testing. Allele origin: germline.
Comment: This sequence change replaces arginine, which is basic and polar, with cysteine, which is neutral and slightly polar, at codon 957 of the CDH23 protein (p.Arg957Cys). This variant is present in population databases (rs532018311, gnomAD 0.04%). This variant has not been reported in the literature in individuals affected with CDH23-related conditions. ClinVar contains an entry for this variant (Variation ID: 300418). Invitae Evidence Modeling of protein sequence and biophysical properties (such as structural, functional, and spatial information, amino acid conservation, physicochemical variation, residue mobility, and thermodynamic stability) has been performed for this missense variant. However, the output from this modeling did not meet the statistical confidence thresholds required to predict the impact of this variant on CDH23 protein function. In summary, the available evidence is currently insufficient to determine the role of this variant in disease. Therefore, it has been classified as a Variant of Uncertain Significance.

GeneDx
Classification: Uncertain significance. Last evaluated: 2024-06-10. Review status: criteria provided, single submitter. Criteria: GeneDx Variant Classification Process June 2021. Collection method: clinical testing. Allele origin: germline. Affected: yes.
Comment: In silico analysis supports that this missense variant does not alter protein structure/function; Has not been previously published as pathogenic or benign to our knowledge

Blueprint Genetics
Classification: Uncertain significance. Last evaluated: 2023-03-31. Review status: criteria provided, single submitter. Criteria: ACMG Guidelines, 2015. Collection method: clinical testing. Allele origin: germline.

Illumina Laboratory Services, Illumina
Classification: Uncertain significance for Usher syndrome type 1D. Last evaluated: 2018-01-13. Review status: criteria provided, single submitter. Criteria: ICSL Variant Classification Criteria 13 December 2019. Collection method: clinical testing. Allele origin: germline.

Illumina Laboratory Services, Illumina
Classification: Uncertain significance for Autosomal recessive nonsyndromic hearing loss 12. Last evaluated: 2018-01-13. Review status: criteria provided, single submitter. Criteria: ICSL Variant Classification Criteria 13 December 2019. Collection method: clinical testing. Allele origin: germline.

Natera, Inc.
Classification: Uncertain significance for Usher syndrome type 1. Last evaluated: 2019-10-28. Review status: no assertion criteria provided. Collection method: clinical testing. Allele origin: germline. Not counted in ClinVar's aggregate classification.

NM_022124.6(CDH23):c.2869C>T (p.Arg957Cys)

Gene: CDH23 (cadherin related 23; plus strand). Cytogenetic location: 10q22.1.
Variant type: single nucleotide variant.
Coding change: c.2869C>T on transcript NM_022124.6 (MANE Select); coding-DNA position 2869, C replaced by T.
Protein change: p.Arg957Cys; replaces arginine 957 with cysteine.
Molecular consequence: missense variant.
Genome position (GRCh38, 1-based): chr10:71,705,046, C>T. VCF-style: chr10-71705046-C-T. GRCh37 (hg19) VCF-style: chr10-73464803-C-T.
Other names: c.2869C>T, p.Arg957Cys (NM_001171930.2, NM_001171931.2); short protein forms R957C.
Identifiers: ClinVar variation 300418 (VCV000300418.17), dbSNP rs532018311, ClinGen allele CA5544362.